The following is an entry in ClinVar:

NM_000229.2(LCAT):c.586G>A (p.Gly196Arg)

Gene: LCAT (lecithin-cholesterol acyltransferase; minus strand). Cytogenetic location: 16q22.1.
Variant type: single nucleotide variant.
Coding change: c.586G>A on transcript NM_000229.2 (MANE Select); coding-DNA position 586, G replaced by A.
Protein change: p.Gly196Arg; replaces glycine 196 with arginine.
Molecular consequence: missense variant.
Genome position (GRCh38, 1-based): chr16:67,942,525, C>T on the plus strand (G>A on the coding strand, the complement: LCAT is on the minus strand). VCF-style: chr16-67942525-C-T. GRCh37 (hg19) VCF-style: chr16-67976428-C-T.
Other names: short protein forms G196R.
Identifiers: ClinVar variation 2602533 (VCV002602533.3), dbSNP rs775984613, ClinGen allele CA283162622.

ClinVar aggregate classification (germline): Uncertain significance. Review status: criteria provided, multiple submitters, no conflicts (2 of 4 stars). 2 submissions from 2 submitters: Uncertain significance (2). Last evaluated 2024-12-23.

Conditions:
Cardiovascular phenotype. Identifiers: MedGen CN230736.

Allele frequency attached by ClinVar (database versions not stated): TOPMed 0.00003; gnomAD 0.00003; gnomAD exomes 0.00002.
gnomAD v4.1: 31 of 1,613,550 alleles (0.0019%); highest among the groups gnomAD compares: Non-Finnish European, 0.0025%; no homozygotes.

Submissions (2):

GeneDx
Classification: Uncertain significance. Last evaluated: 2024-12-23. Review status: criteria provided, single submitter. Criteria: GeneDx Variant Classification Process June 2021. Collection method: clinical testing. Allele origin: germline. Affected: yes.
Comment: Not observed at significant frequency in large population cohorts (gnomAD); In silico analysis supports that this missense variant has a deleterious effect on protein structure/function; Has not been previously published as pathogenic or benign to our knowledge

Ambry Genetics
Classification: Uncertain significance for Cardiovascular phenotype. Last evaluated: 2023-06-16. Review status: criteria provided, single submitter. Criteria: Ambry Variant Classification Scheme 2023. Collection method: clinical testing. Allele origin: germline.